The following is an entry in ClinVar:

NM_004974.4(KCNA2):c.1401_1402del (p.Asn467fs)

Gene: KCNA2 (potassium voltage-gated channel subfamily A member 2; minus strand). Cytogenetic location: 1p13.3.
Variant type: Deletion.
Coding change: c.1401_1402del on transcript NM_004974.4 (MANE Select); coding-DNA positions 1401 to 1402, 2 bases deleted (CA; older notation c.1401_1402delCA).
Protein change: p.Asn467fs; shifts the reading frame from asparagine 467.
Molecular consequence: frameshift variant. On other transcripts: intron variant (1).
Genome position (GRCh38, 1-based): chr1:110,603,381-110,603,382, TG deleted on the plus strand (CA on the coding strand, the reverse complement: KCNA2 is on the minus strand); deleting any 2 consecutive bases within chr1:110,603,381-110,603,383 gives the same sequence; the c. name uses the placement nearest the transcript's 3' end. VCF-style (leftmost placement, unchanged base first): chr1-110603380-CTG-C. GRCh37 (hg19) VCF-style: chr1-111146002-CTG-C.
Other names: c.894+507_894+508del (NM_001204269.2); short protein forms N467fs.
Identifiers: ClinVar variation 3659830 (VCV003659830.2).
Genomic context (GRCh38, chr1:110,603,380, plus strand): 5'-TTTGTGTTAGCCAAGGTACAGTTGGCTGTTTTCAAGTTTTCCTCTCTAAAGTCCTCATTA[CTG>C]TTATTTACACCCTCCTGGATCTCCATGTAATCAGACTTACTAATGGTAGAGGCACTTCTA-3'

ClinVar aggregate classification (germline): Uncertain significance (1 of 4 stars; one submission).

Conditions:
Developmental and epileptic encephalopathy, 32 (DEE32). Also called: Epileptic encephalopathy, early infantile, 32. Identifiers: Orphanet 442835, MedGen C4225350, MONDO:0014607, OMIM 616366.

Submission:

Labcorp Genetics (formerly Invitae), Labcorp
Classification: Uncertain significance for Developmental and epileptic encephalopathy, 32. Last evaluated: 2024-07-18. Review status: criteria provided, single submitter. Criteria: Invitae Variant Classification Sherloc (09022015). Collection method: clinical testing. Allele origin: germline.
Comment: This sequence change creates a premature translational stop signal (p.Asn467Lysfs*2) in the KCNA2 gene. While this is not anticipated to result in nonsense mediated decay, it is expected to disrupt the last 33 amino acid(s) of the KCNA2 protein. This variant is not present in population databases (gnomAD no frequency). This variant has not been reported in the literature in individuals affected with KCNA2-related conditions. Experimental studies and prediction algorithms are not available or were not evaluated, and the functional significance of this variant is currently unknown. In summary, the available evidence is currently insufficient to determine the role of this variant in disease. Therefore, it has been classified as a Variant of Uncertain Significance.